The following is an entry in ClinVar:

ClinVar aggregate classification (germline): Uncertain significance (1 of 4 stars; one submission).

Submission:

Labcorp Genetics (formerly Invitae), Labcorp
Classification: Uncertain significance. Last evaluated: 2022-07-19. Review status: criteria provided, single submitter. Criteria: Invitae Variant Classification Sherloc (09022015). Collection method: clinical testing. Allele origin: germline.
Comment: This variant has not been reported in the literature in individuals affected with P3H2-related conditions. This variant is present in population databases (no rsID available, gnomAD 0.02%). This variant, c.47_58dup, results in the insertion of 4 amino acid(s) of the P3H2 protein (p.Leu16_Pro19dup), but otherwise preserves the integrity of the reading frame. ClinVar contains an entry for this variant (Variation ID: 1044095). In summary, the available evidence is currently insufficient to determine the role of this variant in disease. Therefore, it has been classified as a Variant of Uncertain Significance. Experimental studies and prediction algorithms are not available or were not evaluated, and the functional significance of this variant is currently unknown.

NM_018192.4(P3H2):c.47_58dup (p.12LLLP[3])

Genes: P3H2 (prolyl 3-hydroxylase 2; minus strand), LOC123464484 (Sharpr-MPRA regulatory region 10063; plus strand). Cytogenetic location: 3q28.
Variant type: Duplication.
Coding change: c.47_58dup on transcript NM_018192.4 (MANE Select); coding-DNA positions 47 to 58, 12 bases duplicated (TGCTACTGCCGC).
Protein change: p.12LLLP[3].
Molecular consequence: inframe insertion. On other transcripts: intron variant (1).
Genome position (GRCh38, 1-based): chr3:190,120,674-190,120,685, GCGGCAGTAGCA duplicated on the plus strand (TGCTACTGCCGC on the coding strand, the reverse complement: P3H2 is on the minus strand); duplicating any 12 consecutive bases within chr3:190,120,674-190,120,692 gives the same sequence; the c. name uses the placement nearest the transcript's 3' end. VCF-style (leftmost placement, unchanged base first): chr3-190120673-G-GGCGGCAGTAGCA. GRCh37 (hg19) VCF-style: chr3-189838462-G-GGCGGCAGTAGCA.
Other names: c.-64+1518_-64+1529dup (NM_001134418.2).
Identifiers: ClinVar variation 1044095 (VCV001044095.5), dbSNP rs943988112, ClinGen allele CA90197237.
Genomic context (GRCh38, chr3:190,120,673, plus strand): 5'-GGCCCGGGCTCCAGCTCCAGCTCCCGGCGTGGGCTGTCCGGGGGGCCGCCCCACAGTGGC[G>GGCGGCAGTAGCA]GCGGCAGTAGCAGCGGCAGCAGCAGCAGCAGCGGCGGCGCCCAGATGCGCTCCCGCATCC-3'